The following is an entry in ClinVar:

ClinVar aggregate classification (germline): Uncertain significance (1 of 4 stars; one submission).

Conditions:
CASQ1-related disorder. Also called: CASQ1-related condition.

gnomAD v4.1: 28 of 1,612,904 alleles (0.0017%); highest among the groups gnomAD compares: South Asian, 0.0077%; no homozygotes.

Submission:

PreventionGenetics, part of Exact Sciences
Classification: Uncertain significance for CASQ1-related condition. Last evaluated: 2025-01-31. Review status: criteria provided, single submitter. Criteria: ACMG Guidelines, 2015. Collection method: clinical testing. Allele origin: germline.
Comment: The CASQ1 c.406G>T variant is predicted to result in premature protein termination (p.Glu136*). To our knowledge, this variant has not been reported in the literature. This variant is reported in 0.0098% of alleles in individuals of South Asian descent in gnomAD. At this time, the clinical significance of this variant is uncertain due to the absence of conclusive functional and genetic evidence.

NM_001231.5(CASQ1):c.406G>T (p.Glu136Ter)

Gene: CASQ1 (calsequestrin 1; plus strand). Cytogenetic location: 1q23.2.
Variant type: single nucleotide variant.
Coding change: c.406G>T on transcript NM_001231.5 (MANE Select); coding-DNA position 406, G replaced by T.
Protein change: p.Glu136Ter; replaces glutamic acid 136 with a stop codon.
Molecular consequence: nonsense.
Genome position (GRCh38, 1-based): chr1:160,193,788, G>T. VCF-style: chr1-160193788-G-T. GRCh37 (hg19) VCF-style: chr1-160163578-G-T.
Other names: short protein forms E136*.
Identifiers: ClinVar variation 4986210 (VCV004986210.1).
Genomic context (GRCh38, chr1:160,193,788, plus strand): 5'-CGCCCGGCTCACTCCCTAGGCCTAACTGAAGTGGACAGCATGTATGTATTCAAGGGAGAT[G>T]AAGTCATTGAGTACGATGGCGAGTTTTCTGCTGACACCATCGTGGAGTTTCTGCTTGATG-3'